The following is an entry in ClinVar:

NM_015122.3(FCHO1):c.850C>T (p.Arg284Trp)

Gene: FCHO1 (FCH and mu domain containing endocytic adaptor 1; plus strand). Cytogenetic location: 19p13.11.
Variant type: single nucleotide variant.
Coding change: c.850C>T on transcript NM_015122.3 (MANE Select); coding-DNA position 850, C replaced by T.
Protein change: p.Arg284Trp; replaces arginine 284 with tryptophan.
Molecular consequence: missense variant. On other transcripts: non-coding transcript variant (36).
Genome position (GRCh38, 1-based): chr19:17,774,408, C>T. VCF-style: chr19-17774408-C-T. GRCh37 (hg19) VCF-style: chr19-17885217-C-T.
Other names: c.850C>T, p.Arg284Trp (NM_001161357.2, NM_001161358.2, NM_001384370.1 and 25 more transcripts); c.700C>T, p.Arg234Trp (NM_001161359.2, NM_001384384.1, NM_001384385.1 and 3 more transcripts); c.811C>T, p.Arg271Trp (NM_001384388.1, NM_001384389.1, NM_001384405.1); c.775C>T, p.Arg259Trp (NM_001384390.1); c.805C>T, p.Arg269Trp (NM_001384403.1); short protein forms R259W, R284W, R234W, R269W, R271W.
Identifiers: ClinVar variation 1389023 (VCV001389023.7), dbSNP rs142820853, ClinGen allele CA9300272.

ClinVar aggregate classification (germline): Uncertain significance (1 of 4 stars; one submission).

Allele frequency attached by ClinVar (database versions not stated): gnomAD 0.00001; gnomAD exomes 0.00002; TOPMed 0.00002; ExAC 0.00004; ESP Exome Variant Server 0.00023.
gnomAD v4.1: 27 of 1,613,850 alleles (0.0017%); highest among the groups gnomAD compares: Non-Finnish European, 0.002%; no homozygotes.

Submission:

Labcorp Genetics (formerly Invitae), Labcorp
Classification: Uncertain significance. Last evaluated: 2022-02-05. Review status: criteria provided, single submitter. Criteria: Invitae Variant Classification Sherloc (09022015). Collection method: clinical testing. Allele origin: germline.
Comment: In summary, the available evidence is currently insufficient to determine the role of this variant in disease. Therefore, it has been classified as a Variant of Uncertain Significance. Algorithms developed to predict the effect of missense changes on protein structure and function are either unavailable or do not agree on the potential impact of this missense change (SIFT: "Deleterious"; PolyPhen-2: "Possibly Damaging"; Align-GVGD: "Class C15"). This variant has not been reported in the literature in individuals affected with FCHO1-related conditions. This variant is present in population databases (rs142820853, gnomAD 0.01%). This sequence change replaces arginine, which is basic and polar, with tryptophan, which is neutral and slightly polar, at codon 284 of the FCHO1 protein (p.Arg284Trp).